The following is an entry in ClinVar:

NM_000222.3(KIT):c.1774+5G>C

Gene: KIT (KIT proto-oncogene, receptor tyrosine kinase; plus strand). Cytogenetic location: 4q12.
Variant type: single nucleotide variant.
Coding change: c.1774+5G>C on transcript NM_000222.3 (MANE Select); 5 bases into the intron after coding-DNA position 1774, G replaced by C.
Molecular consequence: intron variant.
Genome position (GRCh38, 1-based): chr4:54,727,547, G>C. VCF-style: chr4-54727547-G-C. GRCh37 (hg19) VCF-style: chr4-55593713-G-C.
Other names: c.1765+5G>C (NM_001385292.1, NM_001385288.1); c.1774+5G>C (NM_001385285.1); c.1762+5G>C (NM_001093772.2, NM_001385286.1); c.1777+5G>C (NM_001385284.1, NM_001385290.1).
Identifiers: ClinVar variation 2846150 (VCV002846150.3), dbSNP rs2109777604, ClinGen allele CA2706086332.

ClinVar aggregate classification (germline): Uncertain significance (1 of 4 stars; one submission).

Conditions:
Gastrointestinal stromal tumor. Also called: Gastrointestinal stromal tumor, somatic; Gastrointestinal stroma tumor. Identifiers: Orphanet 44890, MedGen C0238198, MeSH D046152, MONDO:0011719, OMIM 606764, HP:0100723.

Submission:

Labcorp Genetics (formerly Invitae), Labcorp
Classification: Uncertain significance for Gastrointestinal stromal tumor. Last evaluated: 2023-03-16. Review status: criteria provided, single submitter. Criteria: Invitae Variant Classification Sherloc (09022015). Collection method: clinical testing. Allele origin: germline.
Comment: In summary, the available evidence is currently insufficient to determine the role of this variant in disease. Therefore, it has been classified as a Variant of Uncertain Significance. Variants that disrupt the consensus splice site are a relatively common cause of aberrant splicing (PMID: 17576681, 9536098). Algorithms developed to predict the effect of sequence changes on RNA splicing suggest that this variant may disrupt the consensus splice site. This variant has not been reported in the literature in individuals affected with KIT-related conditions. This variant is not present in population databases (gnomAD no frequency). This sequence change falls in intron 11 of the KIT gene. It does not directly change the encoded amino acid sequence of the KIT protein. It affects a nucleotide within the consensus splice site.

Literature cited by the submitters: PubMed 17576681; PubMed 9536098.